The following is an entry in ClinVar:

NM_004004.6(GJB2):c.532G>T (p.Val178Leu)

Gene: GJB2 (gap junction protein beta 2; minus strand). Cytogenetic location: 13q12.11.
Variant type: single nucleotide variant.
Coding change: c.532G>T on transcript NM_004004.6 (MANE Select); coding-DNA position 532, G replaced by T.
Protein change: p.Val178Leu; replaces valine 178 with leucine.
Molecular consequence: missense variant.
Genome position (GRCh38, 1-based): chr13:20,189,050, C>A on the plus strand (G>T on the coding strand, the complement: GJB2 is on the minus strand). VCF-style: chr13-20189050-C-A. GRCh37 (hg19) VCF-style: chr13-20763189-C-A.
Other names: short protein forms V178L.
Identifiers: ClinVar variation 496222 (VCV000496222.8), dbSNP rs1275901105, ClinGen allele CA387460954.

ClinVar aggregate classification (germline): Conflicting classifications of pathogenicity. Review status: criteria provided, conflicting classifications (1 of 4 stars). 2 submissions from 2 submitters: Likely pathogenic (1); Uncertain significance (1). Last evaluated 2025-07-25.

Submissions (2):

Women's Health and Genetics/Laboratory Corporation of America, LabCorp
Classification: Uncertain significance. Last evaluated: 2025-07-25. Review status: criteria provided, single submitter. Criteria: LabCorp Variant Classification Summary - May 2015. Collection method: clinical testing. Allele origin: germline.
Comment: Variant summary: GJB2 c.532G>T (p.Val178Leu) results in a conservative amino acid change in the encoded protein sequence. Algorithms developed to predict the effect of missense changes on protein structure and function are either unavailable or do not agree on the potential impact of this missense change. The variant was absent in 251290 control chromosomes (gnomAD). To our knowledge, no occurrence of c.532G>T in individuals affected with Non-Syndromic Hearing Loss and no experimental evidence demonstrating its impact on protein function have been reported. A different variant affecting the same codon has been classified as pathogenic by our lab (c.533T>C, p.Val178Ala), supporting the critical relevance of codon 178 to GJB2 protein function. ClinVar contains an entry for this variant (Variation ID: 496222). Based on the evidence outlined above, the variant was classified as VUS-possibly pathogenic.

Labcorp Genetics (formerly Invitae), Labcorp
Classification: Likely pathogenic. Last evaluated: 2021-12-29. Review status: criteria provided, single submitter. Criteria: Invitae Variant Classification Sherloc (09022015). Collection method: clinical testing. Allele origin: germline.
Comment: In summary, the currently available evidence indicates that the variant is pathogenic, but additional data are needed to prove that conclusively. Therefore, this variant has been classified as Likely Pathogenic. This variant disrupts the p.Val178 amino acid residue in GJB2. Other variant(s) that disrupt this residue have been determined to be pathogenic (PMID: 11439000, 21392827, 25189242). This suggests that this residue is clinically significant, and that variants that disrupt this residue are likely to be disease-causing. Advanced modeling of protein sequence and biophysical properties (such as structural, functional, and spatial information, amino acid conservation, physicochemical variation, residue mobility, and thermodynamic stability) performed at Invitae indicates that this missense variant is expected to disrupt GJB2 protein function. ClinVar contains an entry for this variant (Variation ID: 496222). This variant has not been reported in the literature in individuals affected with GJB2-related conditions. This variant is not present in population databases (gnomAD no frequency). This sequence change replaces valine, which is neutral and non-polar, with leucine, which is neutral and non-polar, at codon 178 of the GJB2 protein (p.Val178Leu).

Literature cited by the submitters: PubMed 11439000 (cited by Labcorp Genetics (formerly Invitae), Labcorp); PubMed 21392827 (cited by Labcorp Genetics (formerly Invitae), Labcorp); PubMed 25189242 (cited by Labcorp Genetics (formerly Invitae), Labcorp).